The following is an entry in ClinVar:

NM_004168.4(SDHA):c.1089C>A (p.His363Gln)

Gene: SDHA (succinate dehydrogenase complex flavoprotein subunit A; plus strand). Cytogenetic location: 5p15.33.
Variant type: single nucleotide variant.
Coding change: c.1089C>A on transcript NM_004168.4 (MANE Select); coding-DNA position 1089, C replaced by A.
Protein change: p.His363Gln; replaces histidine 363 with glutamine.
Molecular consequence: missense variant.
Genome position (GRCh38, 1-based): chr5:235,168, C>A. VCF-style: chr5-235168-C-A. GRCh37 (hg19) VCF-style: chr5-235283-C-A.
Other names: c.945C>A, p.His315Gln (NM_001294332.2); c.1089C>A, p.His363Gln (NM_001330758.2); c.1089C>A (NM_004168.2); short protein forms H363Q, H315Q.
Identifiers: ClinVar variation 1045358 (VCV001045358.10), dbSNP rs368488126, ClinGen allele CA359013432.

ClinVar aggregate classification (germline): Uncertain significance. Review status: criteria provided, multiple submitters, no conflicts (2 of 4 stars). 2 submissions from 2 submitters: Uncertain significance (2). Last evaluated 2026-08-27.

Conditions:
Hereditary cancer-predisposing syndrome. Also called: Tumor predisposition; Hereditary Cancer Syndrome; Hereditary neoplastic syndrome; Neoplastic Syndromes, Hereditary. Identifiers: Orphanet 140162, MedGen C0027672, MeSH D009386, MONDO:0015356.
Mitochondrial complex II deficiency, nuclear type 1. Also called: SUCCINATE CoQ REDUCTASE DEFICIENCY. Identifiers: Orphanet 3208, MedGen C5700310, MONDO:0100294, OMIM 252011.
Pheochromocytoma/paraganglioma syndrome 5. Also called: Paragangliomas 5; SDHA-Related Hereditary Paraganglioma-Pheochromocytoma Syndrome. Identifiers: Orphanet 29072, MedGen C3279992, MONDO:0013602, OMIM 614165.

Submissions (2):

Ambry Genetics
Classification: Uncertain significance for Hereditary cancer-predisposing syndrome. Last evaluated: 2026-08-27. Review status: criteria provided, single submitter. Criteria: Ambry Variant Classification Scheme 2023. Collection method: clinical testing. Allele origin: germline.
Comment: The p.H363Q variant (also known as c.1089C>A), located in coding exon 9 of the SDHA gene, results from a C to A substitution at nucleotide position 1089. The histidine at codon 363 is replaced by glutamine, an amino acid with highly similar properties. This amino acid position is conserved. In addition, this alteration is predicted to be deleterious by in silico analysis. Based on the available evidence, the clinical significance of this variant remains unclear.

Labcorp Genetics (formerly Invitae), Labcorp
Classification: Uncertain significance for Pheochromocytoma/paraganglioma syndrome 5; Mitochondrial complex II deficiency, nuclear type 1. Last evaluated: 2025-03-17. Review status: criteria provided, single submitter. Criteria: Invitae Variant Classification Sherloc (09022015). Collection method: clinical testing. Allele origin: germline.
Comment: This sequence change replaces histidine, which is basic and polar, with glutamine, which is neutral and polar, at codon 363 of the SDHA protein (p.His363Gln). This variant is not present in population databases (gnomAD no frequency). This variant has not been reported in the literature in individuals affected with SDHA-related conditions. ClinVar contains an entry for this variant (Variation ID: 1045358). Invitae Evidence Modeling of protein sequence and biophysical properties (such as structural, functional, and spatial information, amino acid conservation, physicochemical variation, residue mobility, and thermodynamic stability) has been performed for this missense variant. However, the output from this modeling did not meet the statistical confidence thresholds required to predict the impact of this variant on SDHA protein function. In summary, the available evidence is currently insufficient to determine the role of this variant in disease. Therefore, it has been classified as a Variant of Uncertain Significance.